The following is an entry in ClinVar:

ClinVar aggregate classification (germline): Pathogenic (1 of 4 stars; one submission).

Allele frequency attached by ClinVar (database versions not stated): gnomAD exomes below 0.00001; gnomAD 0.00001.

Submission:

Labcorp Genetics (formerly Invitae), Labcorp
Classification: Pathogenic. Last evaluated: 2025-12-24. Review status: criteria provided, single submitter. Criteria: Invitae Variant Classification Sherloc (09022015). Collection method: clinical testing. Allele origin: germline.
Comment: This sequence change affects the initiator codon of the NPHS2 mRNA. This change may impact translation initiation or efficiency. The next in-frame methionine is located at codon 115. This variant is present in population databases (no rsID available, gnomAD 0.01%). Disruption of the initiator codon has been observed in individuals with clinical features of NPHS2-related conditions (PMID: 25349199, 35278126). ClinVar contains an entry for this variant (Variation ID: 2771430). This variant disrupts a region of the NPHS2 protein in which other variant(s) (p.Glu56Gly) have been observed in individuals with NPHS2-related conditions (PMID: 25349199). This suggests that this is a clinically significant region of the protein, and that variants that disrupt it are likely to be disease-causing. For these reasons, this variant has been classified as Pathogenic.

Literature cited by the submitters: PubMed 25349199; PubMed 35278126.

NM_014625.4(NPHS2):c.3G>T (p.Met1Ile)

Gene: NPHS2 (NPHS2 stomatin family member, podocin; minus strand). Cytogenetic location: 1q25.2.
Variant type: single nucleotide variant.
Coding change: c.3G>T on transcript NM_014625.4 (MANE Select); coding-DNA position 3, G replaced by T.
Protein change: p.Met1Ile; changes the start codon (methionine 1).
Molecular consequence: missense variant, initiator codon variant.
Genome position (GRCh38, 1-based): chr1:179,575,862, C>A on the plus strand (G>T on the coding strand, the complement: NPHS2 is on the minus strand). VCF-style: chr1-179575862-C-A. GRCh37 (hg19) VCF-style: chr1-179544997-C-A.
Other names: c.3G>T, p.Met1Ile (NM_001297575.2); short protein forms M1I.
Identifiers: ClinVar variation 2771430 (VCV002771430.3), dbSNP rs1057516680, ClinGen allele CA343554473.
Genomic context (GRCh38, chr1:179,575,862, plus strand): 5'-GTGCGGAGTCCTGCCGCCTCGCCCGCGGGACTCCCTGGAGGAGCTCCGCGCCCTCCTCTC[C>A]ATCCTCAGAGCTGCCGGGCGGCTGGAGCAGCAGCGCGGGAGCGCTAGGGGCACGGGAGCG-3'
Protein context (NP_055440.1, residues 1-11): [Met1Ile]ERRARSSSRE